The following is an entry in ClinVar:

ClinVar aggregate classification (germline): Uncertain significance (1 of 4 stars; one submission).

Conditions:
Gray platelet syndrome (GPS). Also called: BLEEDING DISORDER, PLATELET-TYPE, 4. Identifiers: Orphanet 721, MedGen C0272302, MONDO:0007686, OMIM 139090.

Allele frequency attached by ClinVar (database versions not stated): gnomAD exomes below 0.00001 and 0.00001; TOPMed below 0.00001; ExAC 0.00001.

Submission:

Baylor Genetics
Classification: Uncertain significance for Gray platelet syndrome. Last evaluated: 2019-09-19. Review status: criteria provided, single submitter. Criteria: ACMG Guidelines, 2015. Collection method: clinical testing. Allele origin: unknown. Affected: yes.
Comment: This variant was determined to be of uncertain significance according to ACMG Guidelines, 2015 [PMID:25741868].

NM_015175.3(NBEAL2):c.3544-16G>A

Gene: NBEAL2 (neurobeachin like 2; plus strand). Cytogenetic location: 3p21.31.
Variant type: single nucleotide variant.
Coding change: c.3544-16G>A on transcript NM_015175.3 (MANE Select); 16 bases into the intron before coding-DNA position 3544, G replaced by A.
Molecular consequence: intron variant.
Genome position (GRCh38, 1-based): chr3:46,999,299, G>A. VCF-style: chr3-46999299-G-A. GRCh37 (hg19) VCF-style: chr3-47040789-G-A.
Other names: c.3442-16G>A (NM_001365116.2).
Identifiers: ClinVar variation 1027950 (VCV001027950.1), dbSNP rs757281502, ClinGen allele CA2360990.
Genomic context (GRCh38, chr3:46,999,299, plus strand): 5'-CACACCTGCACGGTGACTTCCCCTCCTACAGTAACTCCTTCCACATGATGACAGTCCTCC[G>A]ATGACCCCCACACAGATCCTGCGCAGACTGCAGCAGAATGAGCGGCTACCTGAGCGGAGC-3'